The following is an entry in ClinVar:

NM_006904.7(PRKDC):c.2551A>C (p.Ile851Leu)

Gene: PRKDC (protein kinase, DNA-activated, catalytic subunit; minus strand). Cytogenetic location: 8q11.21.
Variant type: single nucleotide variant.
Coding change: c.2551A>C on transcript NM_006904.7 (MANE Select); coding-DNA position 2551, A replaced by C.
Protein change: p.Ile851Leu; replaces isoleucine 851 with leucine.
Molecular consequence: missense variant.
Genome position (GRCh38, 1-based): chr8:47,915,394, T>G on the plus strand (A>C on the coding strand, the complement: PRKDC is on the minus strand). VCF-style: chr8-47915394-T-G. GRCh37 (hg19) VCF-style: chr8-48827954-T-G.
Other names: c.2551A>C, p.Ile851Leu (NM_001081640.2); short protein forms I851L.
Identifiers: ClinVar variation 580645 (VCV000580645.8), dbSNP rs1563801578, ClinGen allele CA371159987.

ClinVar aggregate classification (germline): Uncertain significance (1 of 4 stars; one submission).

Conditions:
Severe combined immunodeficiency due to DNA-PKcs deficiency. Also called: IMMUNODEFICIENCY 26 WITH NEUROLOGIC ABNORMALITIES; Immunodeficiency 26 with or without neurologic abnormalities. Identifiers: Orphanet 317425, MedGen C4014833, MONDO:0014423, OMIM 615966.

Allele frequency attached by ClinVar (database versions not stated): gnomAD exomes below 0.00001.
gnomAD v4.1: 1 of 1,560,904 alleles (0.000064%); highest among the groups gnomAD compares: Non-Finnish European, 0.000087%; no homozygotes.

Submission:

Labcorp Genetics (formerly Invitae), Labcorp
Classification: Uncertain significance for Severe combined immunodeficiency due to DNA-PKcs deficiency. Last evaluated: 2022-08-22. Review status: criteria provided, single submitter. Criteria: Invitae Variant Classification Sherloc (09022015). Collection method: clinical testing. Allele origin: germline.
Comment: This sequence change replaces isoleucine, which is neutral and non-polar, with leucine, which is neutral and non-polar, at codon 851 of the PRKDC protein (p.Ile851Leu). This variant is not present in population databases (gnomAD no frequency). This variant has not been reported in the literature in individuals affected with PRKDC-related conditions. ClinVar contains an entry for this variant (Variation ID: 580645). In summary, the available evidence is currently insufficient to determine the role of this variant in disease. Therefore, it has been classified as a Variant of Uncertain Significance.